The following is an entry in ClinVar:

ClinVar aggregate classification (germline): Uncertain significance (1 of 4 stars; one submission).

Conditions:
RFT1-congenital disorder of glycosylation (CDG1N). Also called: Congenital disorder of glycosylation type In; CDG In; RFT1-CDG. Identifiers: Orphanet 244310, MedGen C2677590, MONDO:0012783, OMIM 612015.

Submission:

Labcorp Genetics (formerly Invitae), Labcorp
Classification: Uncertain significance for RFT1-congenital disorder of glycosylation. Last evaluated: 2024-10-08. Review status: criteria provided, single submitter. Criteria: Invitae Variant Classification Sherloc (09022015). Collection method: clinical testing. Allele origin: germline.
Comment: This sequence change falls in intron 6 of the RFT1 gene. It does not directly change the encoded amino acid sequence of the RFT1 protein. It affects a nucleotide within the consensus splice site. This variant is present in population databases (rs759775801, gnomAD 0.01%). This variant has not been reported in the literature in individuals affected with RFT1-related conditions. ClinVar contains an entry for this variant (Variation ID: 346193). Variants that disrupt the consensus splice site are a relatively common cause of aberrant splicing (PMID: 17576681, 9536098). Algorithms developed to predict the effect of sequence changes on RNA splicing suggest that this variant may disrupt the consensus splice site. In summary, the available evidence is currently insufficient to determine the role of this variant in disease. Therefore, it has been classified as a Variant of Uncertain Significance.

Literature cited by the submitters: PubMed 17576681; PubMed 9536098.

NM_052859.4(RFT1):c.696+5_696+8del

Gene: RFT1 (RFT1 glycolipid translocator homolog; minus strand). Cytogenetic location: 3p21.1.
Variant type: Microsatellite.
Coding change: c.696+5_696+8del on transcript NM_052859.4 (MANE Select); bases 5 to 8 of the intron after coding-DNA position 696, 4 bases deleted (GTAA; older notation c.696+5_696+8delGTAA).
Molecular consequence: splice donor variant.
Genome position (GRCh38, 1-based): chr3:53,119,876-53,119,879, TTAC deleted on the plus strand (GTAA on the coding strand, the reverse complement: RFT1 is on the minus strand); deleting any 4 consecutive bases within chr3:53,119,876-53,119,884 gives the same sequence; the c. name uses the placement nearest the transcript's 3' end. VCF-style (leftmost placement, unchanged base first): chr3-53119875-ATTAC-A. GRCh37 (hg19) VCF-style: chr3-53153891-ATTAC-A.
Identifiers: ClinVar variation 346193 (VCV000346193.9), dbSNP rs759775801, ClinGen allele CA2451385.